The following is an entry in ClinVar:

GRCh38/hg38 22q11.21(chr22:20604697-21025669)x3

Genes: AIFM3 (AIF family member 3; plus strand), CRKL (CRK like proto-oncogene, adaptor protein; plus strand), LINC01637 (long independently transcribed non-coding RNA 1637; plus strand), LRRC74BNL (LRRC74B N-terminal like; minus strand), LZTR1 (leucine zipper like post translational regulator 1; plus strand) and 31 more. Cytogenetic location: 22q11.21.
Variant type: copy number gain.
Change: copy number 3 (three copies instead of two) of chr22:20,604,697-21,025,669 (421.0 kb, GRCh38 coordinates, 1-based), cytogenetic band 22q11.21.
Identifiers: ClinVar variation 58213 (VCV000058213.1).

ClinVar aggregate classification (germline): Pathogenic (1 of 4 stars; one submission).

Submission:

ISCA site 15
Classification: Pathogenic. Last evaluated: 2011-08-12. Review status: criteria provided, single submitter. Criteria: Kaminsky et al. (Genet Med. 2011). Collection method: clinical testing. Allele origin: unknown. Affected: yes. Observed: 1 variant allele.
Comment: Copy number variation identified through the course of routine clinical cytogenomic testing in postnatal populations. Clinical assertions have been curated as described in Kaminsky et al. 2011.